The following is an entry in ClinVar:

NM_138295.5(PKD1L1):c.7937C>G (p.Ser2646Ter)

Genes: PKD1L1 (polycystin 1 like 1, transient receptor potential channel interacting; minus strand), PKD1L1-AS1 (PKD1L1 antisense RNA 1; plus strand). Cytogenetic location: 7p12.3.
Variant type: single nucleotide variant.
Coding change: c.7937C>G on transcript NM_138295.5 (MANE Select); coding-DNA position 7937, C replaced by G.
Protein change: p.Ser2646Ter; replaces serine 2646 with a stop codon.
Molecular consequence: nonsense.
Genome position (GRCh38, 1-based): chr7:47,803,235, G>C on the plus strand (C>G on the coding strand, the complement: PKD1L1 is on the minus strand). VCF-style: chr7-47803235-G-C. GRCh37 (hg19) VCF-style: chr7-47842833-G-C.
Other names: short protein forms S2646*.
Identifiers: ClinVar variation 2065301 (VCV002065301.3), dbSNP rs752673990, ClinGen allele CA4251869.

ClinVar aggregate classification (germline): Pathogenic/Likely pathogenic. Review status: criteria provided, multiple submitters, no conflicts (2 of 4 stars). 3 submissions from 3 submitters: Pathogenic (2); Likely pathogenic (1). Last evaluated 2026-04-01.

Conditions:
Primary ciliary dyskinesia. Also called: Ciliary dyskinesia. Identifiers: Orphanet 244, MedGen C0008780, MONDO:0016575, HP:0012265.

Allele frequency attached by ClinVar (database versions not stated): TOPMed 0.00001; ExAC 0.00002.
gnomAD v4.1: 8 of 1,614,146 alleles (0.0005%); highest among the groups gnomAD compares: Non-Finnish European, 0.00068%; no homozygotes.

Submissions (3):

Department of Human Genetics, Hannover Medical School
Classification: Likely pathogenic for Primary Ciliary Dyskinesia. Last evaluated: 2026-04-01. Review status: criteria provided, single submitter. Criteria: ACMG Guidelines, 2015. Collection method: research. Allele origin: germline. Affected: no.
Comment: Classification performed by HerediClassify using the following criteria:['PM2_supporting: Variant occures does not occur as homozygous in gnomAD.', 'PVS1_protein_very_strong: Transcript ENST00000289672 is predicted to undergo NMD.']

GeneDx
Classification: Pathogenic. Last evaluated: 2025-07-10. Review status: criteria provided, single submitter. Criteria: GeneDx Variant Classification Process June 2021. Collection method: clinical testing. Allele origin: germline. Affected: yes.
Comment: Observed with a second PKD1L1 variant on the opposite allele (in trans) in a patient with biliary atresia splenic malformation syndrome (PMID: 30664273); Nonsense variant predicted to result in protein truncation or nonsense mediated decay in a gene for which loss of function is a known mechanism of disease; Not observed at significant frequency in large population cohorts (gnomAD); This variant is associated with the following publications: (PMID: 35547246, 33655537, 30664273)

Labcorp Genetics (formerly Invitae), Labcorp
Classification: Pathogenic. Last evaluated: 2022-07-05. Review status: criteria provided, single submitter. Criteria: Invitae Variant Classification Sherloc (09022015). Collection method: clinical testing. Allele origin: germline.
Comment: This sequence change creates a premature translational stop signal (p.Ser2646*) in the PKD1L1 gene. It is expected to result in an absent or disrupted protein product. Loss-of-function variants in PKD1L1 are known to be pathogenic (PMID: 27616478). This variant is present in population databases (rs752673990, gnomAD 0.0009%). This premature translational stop signal has been observed in individual(s) with clinical features of PKD1L1-related conditions (PMID: 30664273). For these reasons, this variant has been classified as Pathogenic.

Literature cited by the submitters: PubMed 27616478 (cited by Labcorp Genetics (formerly Invitae), Labcorp); PubMed 30664273 (cited by Labcorp Genetics (formerly Invitae), Labcorp).